The following is an entry in ClinVar:

NM_001042492.3(NF1):c.3947A>T (p.His1316Leu)

Gene: NF1 (neurofibromin 1; plus strand). Cytogenetic location: 17q11.2.
Variant type: single nucleotide variant.
Coding change: c.3947A>T on transcript NM_001042492.3 (MANE Select); coding-DNA position 3947, A replaced by T.
Protein change: p.His1316Leu; replaces histidine 1316 with leucine.
Molecular consequence: missense variant.
Genome position (GRCh38, 1-based): chr17:31,235,994, A>T. VCF-style: chr17-31235994-A-T. GRCh37 (hg19) VCF-style: chr17-29563012-A-T.
Other names: c.3947A>T, p.His1316Leu (NM_000267.4); short protein forms H1316L.
Identifiers: ClinVar variation 835768 (VCV000835768.8), dbSNP rs751023085, ClinGen allele CA398993254.

ClinVar aggregate classification (germline): Uncertain significance (1 of 4 stars; one submission).

Conditions:
Neurofibromatosis, type 1 (NF1). Also called: Peripheral type neurofibromatosis; Neurofibromatosis, type I; VON RECKLINGHAUSEN DISEASE; NEUROFIBROMATOSIS, TYPE I, SOMATIC. Identifiers: Orphanet 636, MedGen C0027831, MONDO:0018975, OMIM 162200. Disease mechanism: loss of function.

Submission:

Labcorp Genetics (formerly Invitae), Labcorp
Classification: Uncertain significance for Neurofibromatosis, type 1. Last evaluated: 2019-12-16. Review status: criteria provided, single submitter. Criteria: Invitae Variant Classification Sherloc (09022015). Collection method: clinical testing. Allele origin: germline.
Comment: This variant has not been reported in the literature in individuals with NF1-related conditions. This sequence change replaces histidine with leucine at codon 1316 of the NF1 protein (p.His1316Leu). The histidine residue is moderately conserved and there is a moderate physicochemical difference between histidine and leucine. This variant is not present in population databases (ExAC no frequency). Algorithms developed to predict the effect of missense changes on protein structure and function are either unavailable or do not agree on the potential impact of this missense change (SIFT: "Deleterious"; PolyPhen-2: "Benign"; Align-GVGD: "Class C0"). In summary, the available evidence is currently insufficient to determine the role of this variant in disease. Therefore, it has been classified as a Variant of Uncertain Significance.